The following is an entry in ClinVar:

ClinVar aggregate classification (germline): Uncertain significance. Review status: criteria provided, multiple submitters, no conflicts (2 of 4 stars). 2 submissions from 2 submitters: Uncertain significance (2). Last evaluated 2025-03-17.

Conditions:
Epidermolysis bullosa simplex 3, localized or generalized intermediate, with BP230 deficiency (EBS3). Also called: Epidermolysis bullosa simplex due to BP230 deficiency; Epidermolysis bullosa simplex, autosomal recessive 2. Identifiers: Orphanet 412181, MedGen C3809470, MONDO:0014180, OMIM 615425.
Hereditary sensory and autonomic neuropathy type 6. Also called: Neuropathy, hereditary sensory and autonomic, type VI; HSAN VI. Identifiers: Orphanet 314381, MedGen C3539003, MONDO:0013839, OMIM 614653.
Inborn genetic diseases. Identifiers: MedGen C0950123, MeSH D030342.

Allele frequency attached by ClinVar (database versions not stated): TOPMed 0.00002; ExAC 0.00003; gnomAD 0.00004; ESP Exome Variant Server 0.00008.
gnomAD v4.1: 39 of 1,612,250 alleles (0.0024%); highest among the groups gnomAD compares: Admixed American, 0.0067%; no homozygotes.

Submissions (2):

Labcorp Genetics (formerly Invitae), Labcorp
Classification: Uncertain significance for Epidermolysis bullosa simplex 3, localized or generalized intermediate, with BP230 deficiency; Hereditary sensory and autonomic neuropathy type 6. Last evaluated: 2025-03-17. Review status: criteria provided, single submitter. Criteria: Invitae Variant Classification Sherloc (09022015). Collection method: clinical testing. Allele origin: germline.
Comment: The DST gene has multiple clinically relevant transcripts. This variant occurs in alternate transcript NM_015548.4, and corresponds to NM_001723.5:c.*132691C>T in the primary transcript. This sequence change replaces arginine, which is basic and polar, with cysteine, which is neutral and slightly polar, at codon 4464 of the DST protein (p.Arg4464Cys). This variant is present in population databases (rs367591205, gnomAD 0.006%). This variant has not been reported in the literature in individuals affected with DST-related conditions. Experimental studies and prediction algorithms are not available or were not evaluated, and the functional significance of this variant is currently unknown. In summary, the available evidence is currently insufficient to determine the role of this variant in disease. Therefore, it has been classified as a Variant of Uncertain Significance.

Ambry Genetics
Classification: Uncertain significance for Inborn genetic diseases. Last evaluated: 2022-07-27. Review status: criteria provided, single submitter. Criteria: Ambry Variant Classification Scheme 2023. Collection method: clinical testing. Allele origin: germline.
Comment: The p.R4968C variant (also known as c.14902C>T), located in coding exon 83 of the DST gene, results from a C to T substitution at nucleotide position 14902. The arginine at codon 4968 is replaced by cysteine, an amino acid with highly dissimilar properties. This amino acid position is highly conserved in available vertebrate species. In addition, this alteration is predicted to be deleterious by in silico analysis. Since supporting evidence is limited at this time, the clinical significance of this alteration remains unclear.

NM_001374736.1(DST):c.21259C>T (p.Arg7087Cys)

Gene: DST (dystonin; minus strand). Cytogenetic location: 6p12.1.
Variant type: single nucleotide variant.
Coding change: c.21259C>T on transcript NM_001374736.1 (MANE Select); coding-DNA position 21259, C replaced by T.
Protein change: p.Arg7087Cys; replaces arginine 7087 with cysteine.
Molecular consequence: missense variant.
Genome position (GRCh38, 1-based): chr6:56,482,826, G>A on the plus strand (C>T on the coding strand, the complement: DST is on the minus strand). VCF-style: chr6-56482826-G-A. GRCh37 (hg19) VCF-style: chr6-56347624-G-A.
Other names: c.14902C>T, p.Arg4968Cys (NM_001144769.5); c.14488C>T, p.Arg4830Cys (NM_001144770.2); c.21259C>T, p.Arg7087Cys (NM_001374722.1); c.20299C>T, p.Arg6767Cys (NM_001374729.1); c.14041C>T, p.Arg4681Cys (NM_001374730.1); c.21286C>T, p.Arg7096Cys (NM_001374734.1); c.14368C>T, p.Arg4790Cys (NM_001386100.1, NM_183380.4); c.13390C>T, p.Arg4464Cys (NM_015548.5); short protein forms R4681C, R4830C, R4464C, R6767C, R4790C, R4968C, R7087C, R7096C.
Identifiers: ClinVar variation 1422781 (VCV001422781.9), dbSNP rs367591205, ClinGen allele CA3866545.
Genomic context (GRCh38, chr6:56,482,826, plus strand): 5'-TCTGGACCTTGACCCAGGAGGAGTCATCCCGACTGCCTTCTATGAGTTCTCGGGCTGAGC[G>A]CTTCAGGGCCTGCACACTGCTGGTCCTCTTCCCCAACTCTTTTTGGAAGGCCTAAGAAGA-3'
Protein context (NP_001361665.1, residues 7077-7097): KRTSSVQALK[Arg7087Cys]SARELIEGSR